The following is an entry in ClinVar:

ClinVar aggregate classification (germline): Benign/Likely benign. Review status: criteria provided, multiple submitters, no conflicts (2 of 4 stars). 4 submissions from 4 submitters: Benign (1); Likely benign (3). Last evaluated 2026-02-02.

Conditions:
Noonan syndrome (NS). Also called: Noonan's syndrome. Identifiers: Orphanet 648, MedGen C0028326, MeSH D009634, MONDO:0018997. Disease mechanism: gain of function.

Allele frequency attached by ClinVar (database versions not stated): 1000 Genomes Project 30x 0.00031; 1000 Genomes Project 0.00040; ESP Exome Variant Server 0.00062; TOPMed 0.00085; ExAC 0.00086; gnomAD 0.00086 and 0.00088; gnomAD exomes 0.00087 and 0.00129.
gnomAD v4.1: 1,821 of 1,471,750 alleles (0.12%); highest among the groups gnomAD compares: Non-Finnish European, 0.15%; 2 homozygotes.

Submissions (4):

Labcorp Genetics (formerly Invitae), Labcorp
Classification: Likely benign for Noonan syndrome. Last evaluated: 2026-02-02. Review status: criteria provided, single submitter. Criteria: Invitae Variant Classification Sherloc (09022015). Collection method: clinical testing. Allele origin: germline.

Blueprint Genetics
Classification: Likely benign. Last evaluated: 2024-11-19. Review status: criteria provided, single submitter. Criteria: ACMG Guidelines, 2015. Collection method: clinical testing. Allele origin: germline.

GeneDx
Classification: Likely benign. Last evaluated: 2020-11-22. Review status: criteria provided, single submitter. Criteria: GeneDx Variant Classification Process June 2021. Collection method: clinical testing. Allele origin: germline. Affected: yes.

Women's Health and Genetics/Laboratory Corporation of America, LabCorp
Classification: Benign. Last evaluated: 2017-04-11. Review status: criteria provided, single submitter. Criteria: LabCorp Variant Classification Summary - May 2015. Collection method: clinical testing. Allele origin: germline.
Comment: Variant summary: The RRAS c.573-12G>A variant involves the alteration of a non-conserved intronic nucleotide. Mutation Taster predicts a benign outcome for this variant. 4/5 splice prediction tools predict no significant impact on normal splicing. This variant was found in 96/111944 control chromosomes from ExAC at a frequency of 0.0008576, which is approximately 343 times the estimated maximal expected allele frequency of a pathogenic RRAS variant (0.0000025), suggesting this variant is likely a benign polymorphism. The variant of interest has not, to our knowledge, been reported in affected individuals via publications. Taken together, this variant is classified as Benign.

NM_006270.5(RRAS):c.573-12G>A

Gene: RRAS (RAS related; minus strand). Cytogenetic location: 19q13.33.
Variant type: single nucleotide variant.
Coding change: c.573-12G>A on transcript NM_006270.5 (MANE Select); 12 bases into the intron before coding-DNA position 573, G replaced by A.
Molecular consequence: intron variant.
Genome position (GRCh38, 1-based): chr19:49,635,672, C>T on the plus strand (G>A on the coding strand, the complement: RRAS is on the minus strand). VCF-style: chr19-49635672-C-T. GRCh37 (hg19) VCF-style: chr19-50138929-C-T.
Identifiers: ClinVar variation 496319 (VCV000496319.11), dbSNP rs201690554, ClinGen allele CA9578937.